The following is an entry in ClinVar:

NM_139076.3(ABRAXAS1):c.914A>C (p.His305Pro)

Gene: ABRAXAS1 (abraxas 1, BRCA1 A complex subunit; minus strand). Cytogenetic location: 4q21.23.
Variant type: single nucleotide variant.
Coding change: c.914A>C on transcript NM_139076.3 (MANE Select); coding-DNA position 914, A replaced by C.
Protein change: p.His305Pro; replaces histidine 305 with proline.
Molecular consequence: missense variant.
Genome position (GRCh38, 1-based): chr4:83,462,785, T>G on the plus strand (A>C on the coding strand, the complement: ABRAXAS1 is on the minus strand). VCF-style: chr4-83462785-T-G. GRCh37 (hg19) VCF-style: chr4-84383938-T-G.
Other names: c.587A>C, p.His196Pro (NM_001345962.2); short protein forms H196P, H305P.
Identifiers: ClinVar variation 4841985 (VCV004841985.1).

ClinVar aggregate classification (germline): Uncertain significance (1 of 4 stars; one submission).

Submission:

Ambry Genetics
Classification: Uncertain significance. Last evaluated: 2025-12-21. Review status: criteria provided, single submitter. Criteria: Ambry Variant Classification Scheme 2023. Collection method: clinical testing. Allele origin: germline.
Comment: The p.H305P variant (also known as c.914A>C), located in coding exon 9 of the FAM175A gene, results from an A to C substitution at nucleotide position 914. The histidine at codon 305 is replaced by proline, an amino acid with similar properties. This amino acid position is conserved. In addition, this alteration is predicted to be tolerated by in silico analysis. Based on the available evidence, the clinical significance of this variant remains unclear.